The following is an entry in ClinVar:

NM_004991.4(MECOM):c.1013T>A (p.Ile338Asn)

Gene: MECOM (MDS1 and EVI1 complex locus; minus strand). Cytogenetic location: 3q26.2.
Variant type: single nucleotide variant.
Coding change: c.1013T>A on transcript NM_004991.4 (MANE Select); coding-DNA position 1013, T replaced by A.
Protein change: p.Ile338Asn; replaces isoleucine 338 with asparagine.
Molecular consequence: missense variant.
Genome position (GRCh38, 1-based): chr3:169,121,175, A>T on the plus strand (T>A on the coding strand, the complement: MECOM is on the minus strand). VCF-style: chr3-169121175-A-T. GRCh37 (hg19) VCF-style: chr3-168838963-A-T.
Other names: c.644T>A, p.Ile215Asn (NM_001105077.4); c.449T>A, p.Ile150Asn (NM_001105078.4, NM_001164000.2, NM_001205194.2 and 5 more transcripts); c.452T>A, p.Ile151Asn (NM_001163999.2, NM_001366467.2, NM_001366468.2 and 1 more transcripts); c.1013T>A, p.Ile338Asn (NM_001366466.2, NM_001366473.2); short protein forms I338N, I151N, I150N, I215N.
Identifiers: ClinVar variation 4105766 (VCV004105766.1).

ClinVar aggregate classification (germline): Uncertain significance (1 of 4 stars; one submission).

Conditions:
Inborn genetic diseases. Identifiers: MedGen C0950123, MeSH D030342.

Submission:

Ambry Genetics
Classification: Uncertain significance for Inborn genetic diseases. Last evaluated: 2025-07-13. Review status: criteria provided, single submitter. Criteria: Ambry Variant Classification Scheme 2023. Collection method: clinical testing. Allele origin: germline.
Comment: The p.I338N variant (also known as c.1013T>A), located in coding exon 7 of the MECOM gene, results from a T to A substitution at nucleotide position 1013. The isoleucine at codon 338 is replaced by asparagine, an amino acid with dissimilar properties. This amino acid position is conserved. In addition, the in silico prediction for this alteration is inconclusive. Based on the available evidence, the clinical significance of this variant remains unclear.